The following is an entry in ClinVar:

ClinVar aggregate classification (germline): Benign/Likely benign. Review status: criteria provided, multiple submitters, no conflicts (2 of 4 stars). 4 submissions from 4 submitters: Benign (1); Likely benign (3). Last evaluated 2025-11-18.

Conditions:
Hereditary cancer-predisposing syndrome. Also called: Hereditary neoplastic syndrome; Tumor predisposition; Neoplastic Syndromes, Hereditary; Hereditary Cancer Syndrome. Identifiers: Orphanet 140162, MedGen C0027672, MeSH D009386, MONDO:0015356.
Familial cancer of breast. Also called: Hereditary breast cancer; BREAST CANCER, FAMILIAL; hereditary breast carcinoma. Identifiers: Orphanet 227535, MedGen C0346153, MONDO:0016419, OMIM 114480. Disease mechanism: loss of function.
Fanconi anemia complementation group J. Also called: BRIP1-Related Fanconi Anemia. Identifiers: Orphanet 84, MedGen C1836860, MONDO:0012187, OMIM 609054.

Allele frequency attached by ClinVar (database versions not stated): gnomAD exomes below 0.00001; TOPMed below 0.00001.
gnomAD v4.1: 6 of 1,614,012 alleles (0.00037%); highest among the groups gnomAD compares: Non-Finnish European, 0.00042%; no homozygotes.

Submissions (4):

Labcorp Genetics (formerly Invitae), Labcorp
Classification: Likely benign for Familial cancer of breast; Fanconi anemia complementation group J. Last evaluated: 2025-11-18. Review status: criteria provided, single submitter. Criteria: Invitae Variant Classification Sherloc (09022015). Collection method: clinical testing. Allele origin: germline.

Myriad Genetics, Inc.
Classification: Benign for Familial cancer of breast. Last evaluated: 2024-09-06. Review status: criteria provided, single submitter. Criteria: Myriad Autosomal Dominant, Autosomal Recessive and X-Linked Classification Criteria (2023). Collection method: clinical testing. Allele origin: unknown.
Comment: This variant is considered benign. This variant is a silent/synonymous amino acid change and it is not expected to impact splicing.

Ambry Genetics
Classification: Likely benign for Hereditary cancer-predisposing syndrome. Last evaluated: 2016-05-13. Review status: criteria provided, single submitter. Criteria: Ambry Variant Classification Scheme 2023. Collection method: clinical testing. Allele origin: germline.

GeneDx
Classification: Likely benign. Last evaluated: 2016-01-18. Review status: criteria provided, single submitter. Criteria: GeneDx Variant Classification (06012015). Collection method: clinical testing. Allele origin: germline. Affected: yes.
Comment: This variant is considered likely benign or benign based on one or more of the following criteria: it is a conservative change, it occurs at a poorly conserved position in the protein, it is predicted to be benign by multiple in silico algorithms, and/or has population frequency not consistent with disease.

NM_032043.3(BRIP1):c.2767C>T (p.Leu923=)

Gene: BRIP1 (BRCA1 interacting DNA helicase 1; minus strand). Cytogenetic location: 17q23.2.
Variant type: single nucleotide variant.
Coding change: c.2767C>T on transcript NM_032043.3 (MANE Select); coding-DNA position 2767, C replaced by T.
Protein change: p.Leu923=; no amino-acid change (leucine 923 retained).
Molecular consequence: synonymous variant.
Genome position (GRCh38, 1-based): chr17:61,685,974, G>A on the plus strand (C>T on the coding strand, the complement: BRIP1 is on the minus strand). VCF-style: chr17-61685974-G-A. GRCh37 (hg19) VCF-style: chr17-59763335-G-A.
Identifiers: ClinVar variation 383183 (VCV000383183.18), dbSNP rs1057521544, ClinGen allele CA16607783.